The following is an entry in ClinVar:

ClinVar aggregate classification (germline): Uncertain significance (1 of 4 stars; one submission).

Allele frequency attached by ClinVar (database versions not stated): gnomAD exomes below 0.00001.
gnomAD v4.1: 2 of 1,614,234 alleles (0.00012%); highest among the groups gnomAD compares: Non-Finnish European, 0.00017%; no homozygotes.

Submission:

Labcorp Genetics (formerly Invitae), Labcorp
Classification: Uncertain significance. Last evaluated: 2021-11-16. Review status: criteria provided, single submitter. Criteria: Invitae Variant Classification Sherloc (09022015). Collection method: clinical testing. Allele origin: germline.
Comment: In summary, the available evidence is currently insufficient to determine the role of this variant in disease. Therefore, it has been classified as a Variant of Uncertain Significance. Algorithms developed to predict the effect of sequence changes on RNA splicing suggest that this variant may create or strengthen a splice site. Algorithms developed to predict the effect of missense changes on protein structure and function output the following: SIFT: "Tolerated"; PolyPhen-2: "Benign"; Align-GVGD: "Class C0". The glycine amino acid residue is found in multiple mammalian species, which suggests that this missense change does not adversely affect protein function. This variant has not been reported in the literature in individuals affected with CD55-related conditions. This variant is not present in population databases (gnomAD no frequency). This sequence change replaces aspartic acid, which is acidic and polar, with glycine, which is neutral and non-polar, at codon 58 of the CD55 protein (p.Asp58Gly).

NM_000574.5(CD55):c.173A>G (p.Asp58Gly)

Gene: CD55 (CD55 molecule (Cromer blood group); plus strand). Cytogenetic location: 1q32.2.
Variant type: single nucleotide variant.
Coding change: c.173A>G on transcript NM_000574.5 (MANE Select); coding-DNA position 173, A replaced by G.
Protein change: p.Asp58Gly; replaces aspartic acid 58 with glycine.
Molecular consequence: missense variant. On other transcripts: non-coding transcript variant (1).
Genome position (GRCh38, 1-based): chr1:207,322,454, A>G. VCF-style: chr1-207322454-A-G. GRCh37 (hg19) VCF-style: chr1-207495799-A-G.
Other names: c.173A>G, p.Asp58Gly (NM_001114752.3, NM_001300902.2, NM_001300903.2 and 1 more transcripts); short protein forms D58G.
Identifiers: ClinVar variation 1518220 (VCV001518220.6), dbSNP rs2102372879, ClinGen allele CA344515264.